The following is an entry in ClinVar:

ClinVar aggregate classification (germline): Uncertain significance (1 of 4 stars; one submission).

Submission:

GeneDx
Classification: Uncertain significance. Last evaluated: 2026-02-18. Review status: criteria provided, single submitter. Criteria: GeneDx Variant Classification Process June 2021. Collection method: clinical testing. Allele origin: germline.
Comment: Not observed at significant frequency in large population cohorts (gnomAD); In silico analysis supports that this missense variant has a deleterious effect on protein structure/function; Has not been previously published as pathogenic or benign to our knowledge

NM_001128840.3(CACNA1D):c.3944T>C (p.Ile1315Thr)

Gene: CACNA1D (calcium voltage-gated channel subunit alpha1 D; plus strand). Cytogenetic location: 3p21.1.
Variant type: single nucleotide variant.
Coding change: c.3944T>C on transcript NM_001128840.3 (MANE Select); coding-DNA position 3944, T replaced by C.
Protein change: p.Ile1315Thr; replaces isoleucine 1315 with threonine.
Molecular consequence: missense variant.
Genome position (GRCh38, 1-based): chr3:53,770,452, T>C. VCF-style: chr3-53770452-T-C. GRCh37 (hg19) VCF-style: chr3-53804479-T-C.
Other names: c.4004T>C, p.Ile1335Thr (NM_000720.4); c.3899T>C, p.Ile1300Thr (NM_001128839.3); short protein forms I1315T, I1335T, I1300T.
Identifiers: ClinVar variation 5009716 (VCV005009716.1).
Genomic context (GRCh38, chr3:53,770,452, plus strand): 5'-TTGGGTTTGACCTCTCCATGATAACCCTTCAGAACTCTGAAGAGAGCAATAGAATCTCCA[T>C]CACCTTTTTCCGTCTTTTCCGAGTGATGCGATTGGTGAAGCTTCTCAGCAGGGGGGAAGG-3'
Protein context (NP_001122312.1, residues 1305-1325): GNSEESNRIS[Ile1315Thr]TFFRLFRVMR